The following is an entry in ClinVar:

ClinVar aggregate classification (germline): Uncertain significance (1 of 4 stars; one submission).

Conditions:
Cardiovascular phenotype. Identifiers: MedGen CN230736.

Submission:

Ambry Genetics
Classification: Uncertain significance for Cardiovascular phenotype. Last evaluated: 2025-08-13. Review status: criteria provided, single submitter. Criteria: Ambry Variant Classification Scheme 2023. Collection method: clinical testing. Allele origin: germline.
Comment: The c.2289_2290delGA variant, located in coding exon 8 of the AKAP9 gene, results from a deletion of two nucleotides at nucleotide positions 2289 to 2290, causing a translational frameshift with a predicted alternate stop codon (p.N764*). The evidence for this gene-disease relationship is limited; therefore, the clinical significance of this alteration is unclear.

NM_005751.5(AKAP9):c.2289_2290del (p.Glu763_Asn764insTer)

Gene: AKAP9 (A-kinase anchoring protein 9; plus strand). Cytogenetic location: 7q21.2.
Variant type: Microsatellite.
Coding change: c.2289_2290del on transcript NM_005751.5 (MANE Select); coding-DNA positions 2289 to 2290, 2 bases deleted (GA; older notation c.2289_2290delGA).
Protein change: p.Glu763_Asn764insTer.
Molecular consequence: frameshift variant. On other transcripts: nonsense (2).
Genome position (GRCh38, 1-based): chr7:92,002,206-92,002,207, GA deleted; deleting any 2 consecutive bases within chr7:92,002,203-92,002,207 gives the same sequence; the c. name uses the placement nearest the transcript's 3' end. VCF-style (leftmost placement, unchanged base first): chr7-92002202-AAG-A. GRCh37 (hg19) VCF-style: chr7-91631516-AAG-A.
Other names: c.2287_2288GA[1], p.Asn764Terfs (NM_005751.4); c.2289_2290del, p.Glu763_Asn764insTer (NM_147185.3); c.2289_2290delGA (NM_005751.4).
Identifiers: ClinVar variation 4264477 (VCV004264477.1).